The following is an entry in ClinVar:

ClinVar aggregate classification (germline): Benign. Review status: criteria provided, multiple submitters, no conflicts (2 of 4 stars). 2 submissions from 2 submitters: Benign (2). Last evaluated 2018-01-13.

Conditions:
Purine-nucleoside phosphorylase deficiency. Also called: Immunodeficiency due to purine nucleoside phosphorylase deficiency; NUCLEOSIDE PHOSPHORYLASE DEFICIENCY. Identifiers: Orphanet 760, MedGen C0268125, MONDO:0013171, OMIM 613179.

Allele frequency attached by ClinVar (database versions not stated): gnomAD exomes 0.02899; 1000 Genomes Project 30x 0.06355; gnomAD 0.03849 and 0.03941; TOPMed 0.04537; 1000 Genomes Project 0.06470.

Submissions (2):

Illumina Laboratory Services, Illumina
Classification: Benign for Purine-nucleoside phosphorylase deficiency. Last evaluated: 2018-01-13. Review status: criteria provided, single submitter. Criteria: ICSL Variant Classification Criteria 13 December 2019. Collection method: clinical testing. Allele origin: germline.
Comment: This variant was observed in the ICSL laboratory as part of a predisposition screen in an ostensibly healthy population. It had not been previously curated by ICSL or reported in the Human Gene Mutation Database (HGMD: prior to June 1st, 2018), and was therefore a candidate for classification through an automated scoring system. Utilizing variant allele frequency, disease prevalence and penetrance estimates, and inheritance mode, an automated score was calculated to assess if this variant is too frequent to cause the disease. Based on the score and internal cut-off values, a variant classified as benign is not then subjected to further curation. The score for this variant resulted in a classification of benign for this disease.

Breakthrough Genomics
Classification: Benign. Review status: criteria provided, single submitter. Criteria: ACMG Guidelines, 2015. Collection method: not provided. Allele origin: germline. Inheritance: Autosomal recessive inheritance. Affected: yes.

NM_000270.3(PNP):c.*595C>T

Gene: PNP (purine nucleoside phosphorylase; plus strand). Cytogenetic location: 14q11.2.
Variant type: single nucleotide variant.
Coding change: c.*595C>T on transcript NM_000270.3; 595 bases downstream of the stop codon, C replaced by T.
Genome position (GRCh38, 1-based): chr14:20,477,196, C>T. VCF-style: chr14-20477196-C-T. GRCh37 (hg19) VCF-style: chr14-20945355-C-T.
Identifiers: ClinVar variation 312744 (VCV000312744.8), dbSNP rs17878900, ClinGen allele CA10643868.